The following is an entry in ClinVar:

NM_173494.2(DNAAF6):c.153+10T>C

Gene: DNAAF6 (dynein axonemal assembly factor 6; plus strand). Cytogenetic location: Xq22.3.
Variant type: single nucleotide variant.
Coding change: c.153+10T>C on transcript NM_173494.2 (MANE Select); 10 bases into the intron after coding-DNA position 153, T replaced by C.
Molecular consequence: intron variant.
Genome position (GRCh38, 1-based): chrX:107,213,038, T>C. VCF-style: chrX-107213038-T-C. GRCh37 (hg19) VCF-style: chrX-106456268-T-C.
Other names: c.153+10T>C (NM_001169154.2, NM_001169154.1).
Identifiers: ClinVar variation 2153378 (VCV002153378.7), dbSNP rs376397712, ClinGen allele CA10484609.

ClinVar aggregate classification (germline): Likely benign. Review status: criteria provided, multiple submitters, no conflicts (2 of 4 stars). 3 submissions from 3 submitters: Likely benign (2). 1 of the submissions does not count toward it. Last evaluated 2026-01-02.

Conditions:
DNAAF6-related disorder. Also called: DNAAF6-related condition.

Allele frequency attached by ClinVar (database versions not stated): gnomAD exomes 0.00001; ExAC 0.00002; ESP Exome Variant Server 0.00009; gnomAD 0.00009; TOPMed 0.00016.
gnomAD v4.1: 25 of 1,165,603 alleles (0.0021%); highest among the groups gnomAD compares: African/African-American, 0.034%; no homozygotes.

Submissions (3):

Labcorp Genetics (formerly Invitae), Labcorp
Classification: Likely benign. Last evaluated: 2026-01-02. Review status: criteria provided, single submitter. Criteria: Invitae Variant Classification Sherloc (09022015). Collection method: clinical testing. Allele origin: germline.

Blueprint Genetics
Classification: Likely benign. Last evaluated: 2022-10-03. Review status: criteria provided, single submitter. Criteria: ACMG Guidelines, 2015. Collection method: clinical testing. Allele origin: germline.

PreventionGenetics, part of Exact Sciences
Classification: Likely benign for DNAAF6-related condition. Last evaluated: 2019-09-17. Review status: no assertion criteria provided. Collection method: clinical testing. Allele origin: germline. Not counted in ClinVar's aggregate classification.
Comment: This variant is classified as likely benign based on ACMG/AMP sequence variant interpretation guidelines (Richards et al. 2015 PMID: 25741868, with internal and published modifications).